The following is an entry in ClinVar:

NM_004431.5(EPHA2):c.1129G>A (p.Gly377Arg)

Gene: EPHA2 (EPH receptor A2; minus strand). Cytogenetic location: 1p36.13.
Variant type: single nucleotide variant.
Coding change: c.1129G>A on transcript NM_004431.5 (MANE Select); coding-DNA position 1129, G replaced by A.
Protein change: p.Gly377Arg; replaces glycine 377 with arginine.
Molecular consequence: missense variant.
Genome position (GRCh38, 1-based): chr1:16,138,036, C>T on the plus strand (G>A on the coding strand, the complement: EPHA2 is on the minus strand). VCF-style: chr1-16138036-C-T. GRCh37 (hg19) VCF-style: chr1-16464531-C-T.
Other names: c.1129G>A (NM_004431.3); c.967G>A, p.Gly323Arg (NM_001329090.2); short protein forms G377R, G323R.
Identifiers: ClinVar variation 2171501 (VCV002171501.5), dbSNP rs373447361, ClinGen allele CA625306.

ClinVar aggregate classification (germline): Uncertain significance. Review status: criteria provided, multiple submitters, no conflicts (2 of 4 stars). 2 submissions from 2 submitters: Uncertain significance (2). Last evaluated 2024-10-22.

Conditions:
Inborn genetic diseases. Identifiers: MedGen C0950123, MeSH D030342.
Cataract 6 multiple types. Also called: CATARACT, AGE-RELATED CORTICAL, 2; CATARACT 6, POSTERIOR POLAR; CATARACT 6, CONGENITAL TOTAL. Identifiers: Orphanet 91492, MedGen C1861825, MONDO:0007288, OMIM 116600.

Allele frequency attached by ClinVar (database versions not stated): gnomAD exomes 0.00002; ExAC 0.00004; gnomAD 0.00005; ESP Exome Variant Server 0.00008; TOPMed 0.00012.
gnomAD v4.1: 31 of 1,613,338 alleles (0.0019%); highest among the groups gnomAD compares: African/African-American, 0.021%; no homozygotes.

Submissions (2):

Labcorp Genetics (formerly Invitae), Labcorp
Classification: Uncertain significance for Cataract 6 multiple types. Last evaluated: 2024-10-22. Review status: criteria provided, single submitter. Criteria: Invitae Variant Classification Sherloc (09022015). Collection method: clinical testing. Allele origin: germline.
Comment: This sequence change replaces glycine, which is neutral and non-polar, with arginine, which is basic and polar, at codon 377 of the EPHA2 protein (p.Gly377Arg). This variant is present in population databases (rs373447361, gnomAD 0.03%). This variant has not been reported in the literature in individuals affected with EPHA2-related conditions. ClinVar contains an entry for this variant (Variation ID: 2171501). Invitae Evidence Modeling of protein sequence and biophysical properties (such as structural, functional, and spatial information, amino acid conservation, physicochemical variation, residue mobility, and thermodynamic stability) indicates that this missense variant is not expected to disrupt EPHA2 protein function with a negative predictive value of 95%. In summary, the available evidence is currently insufficient to determine the role of this variant in disease. Therefore, it has been classified as a Variant of Uncertain Significance.

Ambry Genetics
Classification: Uncertain significance for Inborn genetic diseases. Last evaluated: 2021-10-22. Review status: criteria provided, single submitter. Criteria: Ambry Variant Classification Scheme 2023. Collection method: clinical testing. Allele origin: germline.